The following is an entry in ClinVar:

NM_003327.4(TNFRSF4):c.152G>C (p.Gly51Ala)

Gene: TNFRSF4 (TNF receptor superfamily member 4; minus strand). Cytogenetic location: 1p36.33.
Variant type: single nucleotide variant.
Coding change: c.152G>C on transcript NM_003327.4 (MANE Select); coding-DNA position 152, G replaced by C.
Protein change: p.Gly51Ala; replaces glycine 51 with alanine.
Molecular consequence: missense variant.
Genome position (GRCh38, 1-based): chr1:1,213,779, C>G on the plus strand (G>C on the coding strand, the complement: TNFRSF4 is on the minus strand). VCF-style: chr1-1213779-C-G. GRCh37 (hg19) VCF-style: chr1-1149159-C-G.
Other names: c.152G>C, p.Gly51Ala (LRG_1319t1); short protein forms G51A.
Identifiers: ClinVar variation 663490 (VCV000663490.7), dbSNP rs926489272, ClinGen allele CA16733604.

ClinVar aggregate classification (germline): Uncertain significance. Review status: criteria provided, multiple submitters, no conflicts (2 of 4 stars). 2 submissions from 2 submitters: Uncertain significance (2). Last evaluated 2024-12-30.

Conditions:
Combined immunodeficiency due to OX40 deficiency. Also called: OX40 DEFICIENCY; Immunodeficiency 16. Identifiers: Orphanet 431149, MedGen C3810053, MONDO:0014268, OMIM 615593.

Allele frequency attached by ClinVar (database versions not stated): gnomAD 0.00002; TOPMed 0.00005.
gnomAD v4.1: 15 of 1,598,386 alleles (0.00094%); highest among the groups gnomAD compares: Admixed American, 0.0017%; no homozygotes.

Submissions (2):

Ambry Genetics
Classification: Uncertain significance. Last evaluated: 2024-12-30. Review status: criteria provided, single submitter. Criteria: Ambry Variant Classification Scheme 2023. Collection method: clinical testing. Allele origin: germline.

Labcorp Genetics (formerly Invitae), Labcorp
Classification: Uncertain significance for Combined immunodeficiency due to OX40 deficiency. Last evaluated: 2024-11-18. Review status: criteria provided, single submitter. Criteria: Invitae Variant Classification Sherloc (09022015). Collection method: clinical testing. Allele origin: germline.
Comment: This sequence change replaces glycine, which is neutral and non-polar, with alanine, which is neutral and non-polar, at codon 51 of the TNFRSF4 protein (p.Gly51Ala). This variant is not present in population databases (gnomAD no frequency). This variant has not been reported in the literature in individuals affected with TNFRSF4-related conditions. ClinVar contains an entry for this variant (Variation ID: 663490). Invitae Evidence Modeling of protein sequence and biophysical properties (such as structural, functional, and spatial information, amino acid conservation, physicochemical variation, residue mobility, and thermodynamic stability) indicates that this missense variant is not expected to disrupt TNFRSF4 protein function with a negative predictive value of 80%. In summary, the available evidence is currently insufficient to determine the role of this variant in disease. Therefore, it has been classified as a Variant of Uncertain Significance.